The following is an entry in ClinVar:

NM_017950.4(CCDC40):c.3224T>C (p.Leu1075Pro)

Gene: CCDC40 (coiled-coil domain 40 molecular ruler complex subunit; plus strand). Cytogenetic location: 17q25.3.
Variant type: single nucleotide variant.
Coding change: c.3224T>C on transcript NM_017950.4 (MANE Select); coding-DNA position 3224, T replaced by C.
Protein change: p.Leu1075Pro; replaces leucine 1075 with proline.
Molecular consequence: missense variant.
Genome position (GRCh38, 1-based): chr17:80,099,570, T>C. VCF-style: chr17-80099570-T-C. GRCh37 (hg19) VCF-style: chr17-78073369-T-C.
Other names: short protein forms L1075P.
Identifiers: ClinVar variation 3019777 (VCV003019777.3), dbSNP rs2510328737, ClinGen allele CA401357386.

ClinVar aggregate classification (germline): Pathogenic (1 of 4 stars; one submission).

Conditions:
Primary ciliary dyskinesia. Also called: Ciliary dyskinesia. Identifiers: Orphanet 244, MedGen C0008780, MONDO:0016575, HP:0012265.

Submission:

Labcorp Genetics (formerly Invitae), Labcorp
Classification: Pathogenic for Primary ciliary dyskinesia. Last evaluated: 2024-08-05. Review status: criteria provided, single submitter. Criteria: Invitae Variant Classification Sherloc (09022015). Collection method: clinical testing. Allele origin: germline.
Comment: This sequence change replaces leucine, which is neutral and non-polar, with proline, which is neutral and non-polar, at codon 1075 of the CCDC40 protein (p.Leu1075Pro). This variant is not present in population databases (gnomAD no frequency). This missense change has been observed in individual(s) with primary ciliary dyskinesia (PMID: 32502479, 34134972). In at least one individual the data is consistent with being in trans (on the opposite chromosome) from a pathogenic variant. It has also been observed to segregate with disease in related individuals. Advanced modeling of protein sequence and biophysical properties (such as structural, functional, and spatial information, amino acid conservation, physicochemical variation, residue mobility, and thermodynamic stability) performed at Invitae indicates that this missense variant is expected to disrupt CCDC40 protein function with a positive predictive value of 80%. For these reasons, this variant has been classified as Pathogenic.

Literature cited by the submitters: PubMed 32502479; PubMed 34134972.